The following is an entry in ClinVar:

NM_017950.4(CCDC40):c.1040A>G (p.Lys347Arg)

Gene: CCDC40 (coiled-coil domain 40 molecular ruler complex subunit; plus strand). Cytogenetic location: 17q25.3.
Variant type: single nucleotide variant.
Coding change: c.1040A>G on transcript NM_017950.4 (MANE Select); coding-DNA position 1040, A replaced by G.
Protein change: p.Lys347Arg; replaces lysine 347 with arginine.
Molecular consequence: missense variant.
Genome position (GRCh38, 1-based): chr17:80,050,164, A>G. VCF-style: chr17-80050164-A-G. GRCh37 (hg19) VCF-style: chr17-78023963-A-G.
Other names: c.1040A>G (NM_017950.3); c.1040A>G, p.Lys347Arg (NM_001243342.2, NM_001330508.2); short protein forms K347R.
Identifiers: ClinVar variation 2192191 (VCV002192191.5), dbSNP rs778572911, ClinGen allele CA8813660.

ClinVar aggregate classification (germline): Conflicting classifications of pathogenicity. Review status: criteria provided, conflicting classifications (1 of 4 stars). 2 submissions from 2 submitters: Uncertain significance (1); Likely benign (1). Last evaluated 2025-02-03.

Conditions:
Primary ciliary dyskinesia. Also called: Ciliary dyskinesia. Identifiers: Orphanet 244, MedGen C0008780, MONDO:0016575, HP:0012265.

Allele frequency attached by ClinVar (database versions not stated): ExAC 0.00001; TOPMed 0.00002; gnomAD 0.00003; 1000 Genomes Project 30x 0.00047.
gnomAD v4.1: 8 of 1,613,594 alleles (0.0005%); highest among the groups gnomAD compares: African/African-American, 0.004%; 1 homozygote.

Submissions (2):

Ambry Genetics
Classification: Likely benign for Primary ciliary dyskinesia. Last evaluated: 2025-02-03. Review status: criteria provided, single submitter. Criteria: Ambry Variant Classification Scheme 2023. Collection method: clinical testing. Allele origin: germline.

Labcorp Genetics (formerly Invitae), Labcorp
Classification: Uncertain significance for Primary ciliary dyskinesia. Last evaluated: 2024-12-24. Review status: criteria provided, single submitter. Criteria: Invitae Variant Classification Sherloc (09022015). Collection method: clinical testing. Allele origin: germline.
Comment: This sequence change replaces lysine, which is basic and polar, with arginine, which is basic and polar, at codon 347 of the CCDC40 protein (p.Lys347Arg). This variant is present in population databases (rs778572911, gnomAD 0.003%). This variant has not been reported in the literature in individuals affected with CCDC40-related conditions. ClinVar contains an entry for this variant (Variation ID: 2192191). Invitae Evidence Modeling of protein sequence and biophysical properties (such as structural, functional, and spatial information, amino acid conservation, physicochemical variation, residue mobility, and thermodynamic stability) indicates that this missense variant is not expected to disrupt CCDC40 protein function with a negative predictive value of 80%. In summary, the available evidence is currently insufficient to determine the role of this variant in disease. Therefore, it has been classified as a Variant of Uncertain Significance.